The following is an entry in ClinVar:

NM_022114.4(PRDM16):c.682C>G (p.Pro228Ala)

Gene: PRDM16 (PR/SET domain 16; plus strand). Cytogenetic location: 1p36.32.
Variant type: single nucleotide variant.
Coding change: c.682C>G on transcript NM_022114.4 (MANE Select); coding-DNA position 682, C replaced by G.
Protein change: p.Pro228Ala; replaces proline 228 with alanine.
Molecular consequence: missense variant.
Genome position (GRCh38, 1-based): chr1:3,402,796, C>G. VCF-style: chr1-3402796-C-G. GRCh37 (hg19) VCF-style: chr1-3319360-C-G.
Other names: c.682C>G, p.Pro228Ala (NM_199454.3); short protein forms P228A.
Identifiers: ClinVar variation 1503776 (VCV001503776.6), dbSNP rs1182820916, ClinGen allele CA338002978.
Genomic context (GRCh38, chr1:3,402,796, plus strand): 5'-AGCCCTGGGCTGGGTCTCCAGCTCACTCACCACCACCTCGTTCTCTCTCTTGCAGAGGAG[C>G]CCACGTTCCGCTGTGACGAGTGTGACGAACTCTTCCAGTCCAAGCTGGACCTGCGGCGCC-3'
Protein context (NP_071397.3, residues 218-238): GTVPPGLDEE[Pro228Ala]TFRCDECDEL

ClinVar aggregate classification (germline): Uncertain significance (1 of 4 stars; one submission).

Conditions:
Left ventricular noncompaction 8 (LVNC8). Identifiers: Orphanet 154, Orphanet 54260, MedGen C3809288, MONDO:0014152, OMIM 615373.

Allele frequency attached by ClinVar (database versions not stated): TOPMed below 0.00001.
gnomAD v4.1: 2 of 1,610,614 alleles (0.00012%); highest among the groups gnomAD compares: Non-Finnish European, 0.00017%; no homozygotes.

Submission:

Labcorp Genetics (formerly Invitae), Labcorp
Classification: Uncertain significance for Left ventricular noncompaction 8. Last evaluated: 2023-07-07. Review status: criteria provided, single submitter. Criteria: Invitae Variant Classification Sherloc (09022015). Collection method: clinical testing. Allele origin: germline.
Comment: In summary, the available evidence is currently insufficient to determine the role of this variant in disease. Therefore, it has been classified as a Variant of Uncertain Significance. An algorithm developed to predict the effect of missense changes on protein structure and function (PolyPhen-2) suggests that this variant is likely to be tolerated. ClinVar contains an entry for this variant (Variation ID: 1503776). This variant has not been reported in the literature in individuals affected with PRDM16-related conditions. This variant is present in population databases (no rsID available, gnomAD 0.0009%). This sequence change replaces proline, which is neutral and non-polar, with alanine, which is neutral and non-polar, at codon 228 of the PRDM16 protein (p.Pro228Ala).